The following is an entry in ClinVar:

ClinVar aggregate classification (germline): Pathogenic. Review status: criteria provided, multiple submitters, no conflicts (2 of 4 stars). 2 submissions from 2 submitters: Pathogenic (2). Last evaluated 2026-07-01.

Conditions:
Polycystic kidney disease, adult type (PKD1). Also called: Polycystic Kidney Disease 1, Autosomal Dominant; Polycystic kidney disease 1; Polycystic kidney disease 1, severe; Polycystic Kidney, Autosomal Dominant; POLYCYSTIC KIDNEY DISEASE, ADULT, TYPE I; POLYCYSTIC KIDNEY DISEASE 1 WITH OR WITHOUT POLYCYSTIC LIVER DISEASE. Identifiers: MedGen C3149841, MONDO:0008263, OMIM 173900.

Submissions (2):

Victorian Clinical Genetics Services, Murdoch Childrens Research Institute
Classification: Pathogenic for Polycystic kidney disease, adult type. Last evaluated: 2026-07-01. Review status: criteria provided, single submitter. Criteria: ACMG Guidelines, 2015. Collection method: clinical testing. Allele origin: germline. Affected: yes.
Comment: This variant is classified as Pathogenic. Evidence in support of pathogenic classification: This variant is predicted to cause nonsense-mediated decay (NMD) and loss of protein (premature termination codon is located at least 54 nucleotides upstream of the final exon-exon junction); This variant is absent from gnomAD v4; Other variants comparable to the one identified in this case have very strong previous evidence for pathogenicity (DECIPHER). Additional information: This variant is heterozygous; This gene is associated with autosomal dominant disease. Polycystic kidney disease 1 (MIM#173900) is predominantly caused by monoallelic variants, with rare reports of biallelic variants causing disease (OMIM); Loss of function is a known mechanism of disease in this gene and is associated with polycystic kidney disease 1 (MIM#173900); Inheritance information for this variant is not currently available in this individual.

Fulgent Genetics
Classification: Pathogenic for Polycystic kidney disease, adult type. Last evaluated: 2024-05-31. Review status: criteria provided, single submitter. Criteria: ACMG Guidelines, 2015. Collection method: clinical testing. Allele origin: germline.

NM_001009944.3(PKD1):c.74del (p.Gly25fs)

Gene: PKD1 (polycystin 1, transient receptor potential channel interacting; minus strand). Cytogenetic location: 16p13.3.
Variant type: Deletion.
Coding change: c.74del on transcript NM_001009944.3 (MANE Select); coding-DNA position 74, one base deleted (G; older notation c.74delG).
Protein change: p.Gly25fs; shifts the reading frame from glycine 25.
Molecular consequence: frameshift variant.
Genome position (GRCh38, 1-based): chr16:2,135,616, C deleted on the plus strand (G on the coding strand, the reverse complement: PKD1 is on the minus strand); the first of 6 consecutive C bases (chr16:2,135,616-2,135,621); deleting any one gives the same sequence. VCF-style (leftmost placement, unchanged base first): chr16-2135615-GC-G. GRCh37 (hg19) VCF-style: chr16-2185616-GC-G.
Other names: c.74del, p.Gly25fs (NM_000296.4); short protein forms G25fs.
Identifiers: ClinVar variation 3579862 (VCV003579862.2).
Genomic context (GRCh38, chr16:2,135,615, plus strand): 5'-GGCGCCGGGCGCTGGGCCGCAGAGGCAGGGGGGCTCGCAGGGCCCGCAGCCGCGCCCGGG[GC>G]CCCCCGCCAGCGCCCCGAGCCACAGGCCCAGGCCCAGGGCCAGCGCCAGGCGGGCGGGCG-3'